The following is an entry in ClinVar:

NM_015404.4(WHRN):c.603C>A (p.His201Gln)

Gene: WHRN (whirlin; minus strand). Cytogenetic location: 9q32.
Variant type: single nucleotide variant.
Coding change: c.603C>A on transcript NM_015404.4 (MANE Select); coding-DNA position 603, C replaced by A.
Protein change: p.His201Gln; replaces histidine 201 with glutamine.
Molecular consequence: missense variant.
Genome position (GRCh38, 1-based): chr9:114,504,199, G>T on the plus strand (C>A on the coding strand, the complement: WHRN is on the minus strand). VCF-style: chr9-114504199-G-T. GRCh37 (hg19) VCF-style: chr9-117266479-G-T.
Other names: c.603C>A, p.His201Gln (NM_001173425.2); short protein forms H201Q.
Identifiers: ClinVar variation 1020900 (VCV001020900.8), dbSNP rs762111375, ClinGen allele CA374611695.

ClinVar aggregate classification (germline): Uncertain significance (1 of 4 stars; one submission).

Submission:

Labcorp Genetics (formerly Invitae), Labcorp
Classification: Uncertain significance. Last evaluated: 2022-02-04. Review status: criteria provided, single submitter. Criteria: Invitae Variant Classification Sherloc (09022015). Collection method: clinical testing. Allele origin: germline.
Comment: This sequence change replaces histidine, which is basic and polar, with glutamine, which is neutral and polar, at codon 201 of the WHRN protein (p.His201Gln). In summary, the available evidence is currently insufficient to determine the role of this variant in disease. Therefore, it has been classified as a Variant of Uncertain Significance. Algorithms developed to predict the effect of missense changes on protein structure and function are either unavailable or do not agree on the potential impact of this missense change (SIFT: "Deleterious"; PolyPhen-2: "Probably Damaging"; Align-GVGD: "Class C15"). ClinVar contains an entry for this variant (Variation ID: 1020900). This variant has not been reported in the literature in individuals affected with WHRN-related conditions. This variant is not present in population databases (gnomAD no frequency).